The following is an entry in ClinVar:

NM_017534.6(MYH2):c.2461C>T (p.Gln821Ter)

Genes: MYHAS (myosin heavy chain gene cluster antisense RNA; plus strand), MYH2 (myosin heavy chain 2; minus strand). Cytogenetic location: 17p13.1.
Variant type: single nucleotide variant.
Coding change: c.2461C>T on transcript NM_017534.6 (MANE Select); coding-DNA position 2461, C replaced by T.
Protein change: p.Gln821Ter; replaces glutamine 821 with a stop codon.
Molecular consequence: nonsense.
Genome position (GRCh38, 1-based): chr17:10,531,869, G>A on the plus strand (C>T on the coding strand, the complement: MYH2 is on the minus strand). VCF-style: chr17-10531869-G-A. GRCh37 (hg19) VCF-style: chr17-10435186-G-A.
Other names: c.2461C>T, p.Gln821Ter (NM_001100112.2); short protein forms Q821*.
Identifiers: ClinVar variation 1072835 (VCV001072835.2), dbSNP rs2142303605, ClinGen allele CA398146729.
Genomic context (GRCh38, chr17:10,531,869, plus strand): 5'-TGAAGAAGAGTTTCATCCAGGGCCAGTGCTTGACATTCATGAAGGATCTGATATTGTACT[G>A]GATACAGAAGATGGCCTCCCTGAAATTTAATTGATGCAAATTAGTATTGTGTGGTTGATG-3'

ClinVar aggregate classification (germline): Pathogenic (1 of 4 stars; one submission).

Conditions:
Myopathy, proximal, and ophthalmoplegia (CMYO6). Also called: MYOPATHY WITH CONGENITAL JOINT CONTRACTURES, OPHTHALMOPLEGIA, AND RIMMED VACUOLES; INCLUSION BODY MYOPATHY 3, AUTOSOMAL DOMINANT; CONGENITAL MYOPATHY 6 WITH OPHTHALMOPLEGIA. Identifiers: Orphanet 363677, Orphanet 79091, MedGen C1854106, MONDO:0011577, OMIM 605637.

Submission:

Labcorp Genetics (formerly Invitae), Labcorp
Classification: Pathogenic for Myopathy, proximal, and ophthalmoplegia. Last evaluated: 2020-09-17. Review status: criteria provided, single submitter. Criteria: Invitae Variant Classification Sherloc (09022015). Collection method: clinical testing. Allele origin: germline.
Comment: This sequence change creates a premature translational stop signal (p.Gln821*) in the MYH2 gene. It is expected to result in an absent or disrupted protein product. This variant is not present in population databases (ExAC no frequency). This variant has not been reported in the literature in individuals with MYH2-related conditions. Loss-of-function variants in MYH2 are known to be pathogenic (PMID: 20418530, 23388406, 24193343). For these reasons, this variant has been classified as Pathogenic.

Literature cited by the submitters: PubMed 20418530; PubMed 23388406; PubMed 24193343.